The following is an entry in ClinVar:

ClinVar aggregate classification (germline): Uncertain significance (1 of 4 stars; one submission).

Submission:

GeneDx
Classification: Uncertain significance. Last evaluated: 2025-04-07. Review status: criteria provided, single submitter. Criteria: GeneDx Variant Classification Process June 2021. Collection method: clinical testing. Allele origin: germline.
Comment: Has not been previously published as pathogenic or benign to our knowledge; Not observed at significant frequency in large population cohorts (gnomAD); In silico analysis indicates that this missense variant does not alter protein structure/function

NM_001148.6(ANK2):c.5783T>C (p.Val1928Ala)

Genes: ANK2 (ankyrin 2; plus strand), LOC126807136 (MED14-independent group 3 enhancer GRCh37_chr4:114274931-114276130; plus strand). Cytogenetic location: 4q26.
Variant type: single nucleotide variant.
Coding change: c.5783T>C on transcript NM_001148.6 (MANE Select); coding-DNA position 5783, T replaced by C.
Protein change: p.Val1928Ala; replaces valine 1928 with alanine.
Molecular consequence: missense variant. On other transcripts: intron variant (68).
Genome position (GRCh38, 1-based): chr4:113,354,401, T>C. VCF-style: chr4-113354401-T-C. GRCh37 (hg19) VCF-style: chr4-114275557-T-C.
Other names: c.5549T>C, p.Val1850Ala (NM_001386142.1); c.2183T>C, p.Val728Ala (NM_001386166.1); c.5924T>C, p.Val1975Ala (NM_001386174.1); c.5900T>C, p.Val1967Ala (NM_001386175.1); c.4411+4152T>C (NM_001386186.2, NM_001386148.2); c.4213+4152T>C (NM_001354269.3); c.4291+4152T>C (NM_001386187.2); c.4252+4152T>C (NM_001386147.1); and 35 more; short protein forms V1850A, V1928A, V1967A, V1975A, V728A.
Identifiers: ClinVar variation 3368620 (VCV003368620.2).